The following is an entry in ClinVar:

ClinVar aggregate classification (germline): Uncertain significance (1 of 4 stars; one submission).

gnomAD v4.1: 7 of 1,613,652 alleles (0.00043%); highest among the groups gnomAD compares: Admixed American, 0.0017%; no homozygotes.

Submission:

CeGaT Center for Human Genetics Tuebingen
Classification: Uncertain significance. Last evaluated: 2026-02-01. Review status: criteria provided, single submitter. Criteria: CeGaT Center For Human Genetics Tuebingen Variant Classification Criteria Version 2. Collection method: clinical testing. Allele origin: germline. Affected: yes. Observed: 1 variant allele.
Comment: TMEM94: PM2:Supporting, PP3

NM_014738.6(TMEM94):c.3247C>T (p.Arg1083Trp)

Gene: TMEM94 (transmembrane protein 94; plus strand). Cytogenetic location: 17q25.1.
Variant type: single nucleotide variant.
Coding change: c.3247C>T on transcript NM_014738.6 (MANE Select); coding-DNA position 3247, C replaced by T.
Protein change: p.Arg1083Trp; replaces arginine 1083 with tryptophan.
Molecular consequence: missense variant. On other transcripts: intron variant (2).
Genome position (GRCh38, 1-based): chr17:75,496,733, C>T. VCF-style: chr17-75496733-C-T. GRCh37 (hg19) VCF-style: chr17-73492814-C-T.
Other names: c.3277C>T, p.Arg1093Trp (NM_001321148.2, NM_001438844.1); c.3259C>T, p.Arg1087Trp (NM_001321149.2); c.3199C>T, p.Arg1067Trp (NM_001351202.2); c.3274C>T, p.Arg1092Trp (NM_001351203.2); c.3247C>T, p.Arg1083Trp (NM_001438841.1); c.3289C>T, p.Arg1097Trp (NM_001438842.1, NM_001438843.1); c.3256C>T, p.Arg1086Trp (NM_001438845.1); c.3229C>T, p.Arg1077Trp (NM_001438846.1); and 2 more; short protein forms R1067W, R1077W, R1083W, R1086W, R1087W, R1092W, R1093W, R1097W.
Identifiers: ClinVar variation 4823311 (VCV004823311.4).